The following is an entry in ClinVar:

ClinVar aggregate classification (germline): Pathogenic (1 of 4 stars; one submission).

Conditions:
Ataxia-telangiectasia syndrome (AT). Also called: Ataxia telangiectasia (A-T); ATAXIA-TELANGIECTASIA, COMPLEMENTATION GROUP A; ATAXIA-TELANGIECTASIA, FRESNO VARIANT; Ataxia-telangiectasia; Ataxia-telangiectasia, complementation group E; LOUIS-BAR SYNDROME. Identifiers: Orphanet 100, MedGen C0004135, MONDO:0008840, OMIM 208900.

Submission:

Labcorp Genetics (formerly Invitae), Labcorp
Classification: Pathogenic for Ataxia-telangiectasia syndrome. Last evaluated: 2025-12-14. Review status: criteria provided, single submitter. Criteria: Invitae Variant Classification Sherloc (09022015). Collection method: clinical testing. Allele origin: germline.
Comment: This sequence change creates a premature translational stop signal (p.Asp1935Glufs*27) in the ATM gene. It is expected to result in an absent or disrupted protein product. Loss-of-function variants in ATM are known to be pathogenic (PMID: 23807571, 25614872). This variant is not present in population databases (gnomAD no frequency). This variant has not been reported in the literature in individuals affected with ATM-related conditions. ClinVar contains an entry for this variant (Variation ID: 1070349). For these reasons, this variant has been classified as Pathogenic.

Literature cited by the submitters: PubMed 23807571; PubMed 25614872.

NM_000051.4(ATM):c.5805_5812del (p.Asp1935fs)

Genes: ATM (ATM serine/threonine kinase; plus strand), C11orf65 (chromosome 11 open reading frame 65; minus strand). Cytogenetic location: 11q22.3.
Variant type: Deletion.
Coding change: c.5805_5812del on transcript NM_000051.4 (MANE Select); coding-DNA positions 5805 to 5812, 8 bases deleted (TTTAAATT; older notation c.5805_5812delTTTAAATT).
Protein change: p.Asp1935fs; shifts the reading frame from aspartic acid 1935.
Molecular consequence: frameshift variant. On other transcripts: intron variant (2).
Genome position (GRCh38, 1-based): chr11:108,310,202-108,310,209, TTTAAATT deleted. VCF-style (leftmost placement, unchanged base first): chr11-108310201-ATTTAAATT-A. GRCh37 (hg19) VCF-style: chr11-108180928-ATTTAAATT-A.
Other names: c.5805_5812del, p.Asp1935fs (NM_001351834.2); c.641-1138_641-1131del (NM_001330368.2); c.*39-1138_*39-1131del (NM_001351110.2); short protein forms D1935fs.
Identifiers: ClinVar variation 1070349 (VCV001070349.7), dbSNP rs2136013815, ClinGen allele CA2499220668.